The following is an entry in ClinVar:

ClinVar aggregate classification (germline): Conflicting classifications of pathogenicity. Review status: criteria provided, conflicting classifications (1 of 4 stars). 4 submissions from 4 submitters: Uncertain significance (3); Likely benign (1). Last evaluated 2025-08-20.

Conditions:
Primary ciliary dyskinesia. Also called: Ciliary dyskinesia. Identifiers: Orphanet 244, MedGen C0008780, MONDO:0016575, HP:0012265.

Allele frequency attached by ClinVar (database versions not stated): ExAC 0.00001; gnomAD 0.00001; TOPMed 0.00002.

Submissions (4):

Ambry Genetics
Classification: Uncertain significance for Primary ciliary dyskinesia. Last evaluated: 2025-08-20. Review status: criteria provided, single submitter. Criteria: Ambry Variant Classification Scheme 2023. Collection method: clinical testing. Allele origin: germline.

Labcorp Genetics (formerly Invitae), Labcorp
Classification: Likely benign for Primary ciliary dyskinesia. Last evaluated: 2025-04-17. Review status: criteria provided, single submitter. Criteria: Invitae Variant Classification Sherloc (09022015). Collection method: clinical testing. Allele origin: germline.

GeneDx
Classification: Uncertain significance. Last evaluated: 2025-03-28. Review status: criteria provided, single submitter. Criteria: GeneDx Variant Classification Process June 2021. Collection method: clinical testing. Allele origin: germline.
Comment: Not observed at significant frequency in large population cohorts (gnomAD); In silico analysis supports that this missense variant has a deleterious effect on protein structure/function; Has not been previously published as pathogenic or benign to our knowledge

Blueprint Genetics
Classification: Uncertain significance. Last evaluated: 2024-09-02. Review status: criteria provided, single submitter. Criteria: ACMG Guidelines, 2015. Collection method: clinical testing. Allele origin: germline.

NM_001277115.2(DNAH11):c.11504C>T (p.Ala3835Val)

Gene: DNAH11 (dynein axonemal heavy chain 11; plus strand). Cytogenetic location: 7p15.3.
Variant type: single nucleotide variant.
Coding change: c.11504C>T on transcript NM_001277115.2 (MANE Select); coding-DNA position 11504, C replaced by T.
Protein change: p.Ala3835Val; replaces alanine 3835 with valine.
Molecular consequence: missense variant.
Genome position (GRCh38, 1-based): chr7:21,866,477, C>T. VCF-style: chr7-21866477-C-T. GRCh37 (hg19) VCF-style: chr7-21906095-C-T.
Other names: c.11504C>T (NM_001277115.1); c.11525C>T, p.Ala3842Val (NM_003777.3); short protein forms A3835V, A3842V.
Identifiers: ClinVar variation 2139454 (VCV002139454.7), dbSNP rs72658810, ClinGen allele CA4182781.
Genomic context (GRCh38, chr7:21,866,477, plus strand): 5'-AACTGTAAAGTATCGTTCACACCATTCCTACTTGTTTCCCTATCATATTACAGGCAATTG[C>T]CGTCATGGAAGAATTTCGAGGCATAGACCGAGATGTGGAAGGATCTGCCAAGCAGTGGAG-3'
Protein context (NP_001264044.1, residues 3825-3845): SQSWSAIKAI[Ala3835Val]VMEEFRGIDR